The following is an entry in ClinVar:

NM_000059.4(BRCA2):c.2454_2457del (p.Asn818fs)

Gene: BRCA2 (BRCA2 DNA repair associated; plus strand). Cytogenetic location: 13q13.1.
Variant type: Deletion.
Coding change: c.2454_2457del on transcript NM_000059.4 (MANE Select); coding-DNA positions 2454 to 2457, 4 bases deleted (TCAA; older notation c.2454_2457delTCAA).
Protein change: p.Asn818fs; shifts the reading frame from asparagine 818.
Molecular consequence: frameshift variant.
Genome position (GRCh38, 1-based): chr13:32,336,809-32,336,812, TCAA deleted; deleting any 4 consecutive bases within chr13:32,336,807-32,336,812 gives the same sequence; the c. name uses the placement nearest the transcript's 3' end. VCF-style (leftmost placement, unchanged base first): chr13-32336806-GAATC-G. GRCh37 (hg19) VCF-style: chr13-32910943-GAATC-G.
Other names: c.2454_2457delTCAA (NM_000059.3); short protein forms N818fs.
Identifiers: ClinVar variation 491218 (VCV000491218.3), dbSNP rs1555282680, ClinGen allele CA658683833.

ClinVar aggregate classification (germline): Pathogenic (1 of 4 stars; one submission).

Conditions:
Hereditary cancer-predisposing syndrome. Also called: Hereditary neoplastic syndrome; Tumor predisposition; Hereditary Cancer Syndrome; Neoplastic Syndromes, Hereditary. Identifiers: Orphanet 140162, MedGen C0027672, MeSH D009386, MONDO:0015356.

Submission:

Color Diagnostics, LLC DBA Color Health
Classification: Pathogenic for Hereditary cancer-predisposing syndrome. Last evaluated: 2020-06-02. Review status: criteria provided, single submitter. Criteria: ACMG Guidelines, 2015. Collection method: clinical testing. Allele origin: germline.
Comment: This variant deletes 4 nucleotides in exon 11 of the BRCA2 gene, creating a frameshift and premature translation stop signal. This variant is expected to result in an absent or non-functional protein product. To our knowledge, this variant has not been reported in individuals affected with hereditary cancer in the literature. This variant has not been identified in the general population by the Genome Aggregation Database (gnomAD). Loss of BRCA2 function is a known mechanism of disease. Based on the available evidence, this variant is classified as Pathogenic.